The following is an entry in ClinVar:

NM_000141.5(FGFR2):c.1084+1G>A

Gene: FGFR2 (fibroblast growth factor receptor 2; minus strand). Cytogenetic location: 10q26.13.
Variant type: single nucleotide variant.
Coding change: c.1084+1G>A on transcript NM_000141.5 (MANE Select); the canonical splice donor site of the intron after coding-DNA position 1084, G replaced by A.
Molecular consequence: splice donor variant. On other transcripts: intron variant (7).
Genome position (GRCh38, 1-based): chr10:121,517,318, C>T on the plus strand (G>A on the coding strand, the complement: FGFR2 is on the minus strand). VCF-style: chr10-121517318-C-T. GRCh37 (hg19) VCF-style: chr10-123276832-C-T.
Other names: c.749-1999G>A (NM_001144914.1); c.739+1G>A (NM_001144918.2, NM_001441091.1, NM_001441090.1 and 1 more transcripts); c.817+1G>A (NM_001441089.1, NM_023029.3, NM_001144915.2); c.820+1364G>A (NM_001441088.1, NM_001144919.2); c.939+2661G>A (NM_001144917.2); c.1084+1G>A (NM_001320658.2); c.1087+1364G>A (NM_001441087.1, NM_022970.4, NM_001144913.1); c.400+1G>A (NM_001320654.2).
Identifiers: ClinVar variation 2136936 (VCV002136936.5), dbSNP rs2134253609, ClinGen allele CA378327631.
Genomic context (GRCh38, chr10:121,517,318, plus strand): 5'-AATTTTATAGCAGTCAACCAAGAAAAGGGAAAAAAACCCAGAGAGAAAGAACAGTATATA[C>T]CTGGCAGAACTGTCAACCATGCAGAGTGAAAGGATATCCCAATAGAATTACCCGCCAAGC-3'

ClinVar aggregate classification (germline): Pathogenic. Review status: criteria provided, multiple submitters, no conflicts (2 of 4 stars). 2 submissions from 2 submitters: Pathogenic (2). Last evaluated 2023-08-17.

Conditions:
FGFR2-related craniosynostosis. Identifiers: MedGen CN231480.
FGFR2-related disorder. Identifiers: MedGen CN380096.

Submissions (2):

PreventionGenetics, part of Exact Sciences
Classification: Pathogenic for FGFR2-related condition. Last evaluated: 2023-08-17. Review status: criteria provided, single submitter. Criteria: ACMG Guidelines, 2015. Collection method: clinical testing. Allele origin: germline.
Comment: The FGFR2 c.1084+1G>A variant is predicted to disrupt the GT donor site and interfere with normal splicing. This variant was reported in individuals with craniosynostosis or Crouzon syndrome, with at least one case reported to be de novo (Traynis et al. 2012. PubMed ID: 21524234; Roscioli et al. 2013. PubMed ID: 24127277). mRNA studies confirmed that this canonical splice site variant results in aberrant splicing (Traynis et al. 2012. PubMed ID: 21524234). This variant has not been reported in a large population database, indicating this variant is rare. Different nucleotide substitutions affecting this splice site (c.1084+1G>T, c.1084+2T>C, and c.1084+3A>G) have been reported to be causative for FGFR2-associated disorders (Human Gene Mutation Database). This variant is interpreted as pathogenic.

Labcorp Genetics (formerly Invitae), Labcorp
Classification: Pathogenic for FGFR2-related craniosynostosis. Last evaluated: 2022-06-26. Review status: criteria provided, single submitter. Criteria: Invitae Variant Classification Sherloc (09022015). Collection method: clinical testing. Allele origin: germline.
Comment: This sequence change affects a donor splice site in intron 8 of the FGFR2 gene. RNA analysis indicates that disruption of this splice site induces altered splicing and likely results in the loss of 17 amino acid residue(s), but is expected to preserve the integrity of the reading-frame. This variant is not present in population databases (gnomAD no frequency). Disruption of this splice site has been observed in individual(s) with autosomal dominant FGFR2 related conditions and/or Crouzon syndrome (PMID: 21524234, 24127277, 25271085, 28901406). In at least one individual the variant was observed to be de novo. Studies have shown that disruption of this splice site results in the activation of a cryptic splice site in exon 8 (PMID: 21524234). For these reasons, this variant has been classified as Pathogenic.

Literature cited by the submitters: PubMed 21524234 (cited by Labcorp Genetics (formerly Invitae), Labcorp); PubMed 24127277 (cited by Labcorp Genetics (formerly Invitae), Labcorp); PubMed 25271085 (cited by Labcorp Genetics (formerly Invitae), Labcorp); PubMed 28901406 (cited by Labcorp Genetics (formerly Invitae), Labcorp).